The following is an entry in ClinVar:

ClinVar aggregate classification (germline): Uncertain significance. Review status: criteria provided, single submitter (1 of 4 stars). 2 submissions from 2 submitters: Uncertain significance (1). 1 of the submissions does not count toward it. Last evaluated 2025-11-03.

Allele frequency attached by ClinVar (database versions not stated): gnomAD 0.00008 and 0.00010; TOPMed 0.00010; gnomAD exomes 0.00012 and 0.00013; ExAC 0.00014; ESP Exome Variant Server 0.00023.
gnomAD v4.1: 208 of 1,608,274 alleles (0.013%); highest among the groups gnomAD compares: Middle Eastern, 0.033%; no homozygotes.

Submissions (2):

Labcorp Genetics (formerly Invitae), Labcorp
Classification: Uncertain significance. Last evaluated: 2025-11-03. Review status: criteria provided, single submitter. Criteria: Invitae Variant Classification Sherloc (09022015). Collection method: clinical testing. Allele origin: germline.
Comment: This sequence change replaces arginine, which is basic and polar, with glutamine, which is neutral and polar, at codon 536 of the ERBB2 protein (p.Arg536Gln). This variant is present in population databases (rs140980495, gnomAD 0.02%). This variant has not been reported in the literature in individuals affected with ERBB2-related conditions. ClinVar contains an entry for this variant (Variation ID: 1050529). Invitae Evidence Modeling of protein sequence and biophysical properties (such as structural, functional, and spatial information, amino acid conservation, physicochemical variation, residue mobility, and thermodynamic stability) has been performed for this missense variant. However, the output from this modeling did not meet the statistical confidence thresholds required to predict the impact of this variant on ERBB2 protein function. In summary, the available evidence is currently insufficient to determine the role of this variant in disease. Therefore, it has been classified as a Variant of Uncertain Significance.

Department of Pathology and Laboratory Medicine, Sinai Health System
Classification: Uncertain significance. Review status: no assertion criteria provided. Collection method: clinical testing. Allele origin: unknown. Affected: yes. Study: The Canadian Open Genetics Repository (COGR). Not counted in ClinVar's aggregate classification.

NM_004448.4(ERBB2):c.1607G>A (p.Arg536Gln)

Gene: ERBB2 (erb-b2 receptor tyrosine kinase 2; plus strand). Cytogenetic location: 17q12.
Variant type: single nucleotide variant.
Coding change: c.1607G>A on transcript NM_004448.4 (MANE Select); coding-DNA position 1607, G replaced by A.
Protein change: p.Arg536Gln; replaces arginine 536 with glutamine.
Molecular consequence: missense variant. On other transcripts: non-coding transcript variant (1), intron variant (1).
Genome position (GRCh38, 1-based): chr17:39,716,394, G>A. VCF-style: chr17-39716394-G-A. GRCh37 (hg19) VCF-style: chr17-37872647-G-A.
Other names: c.1517G>A, p.Arg506Gln (NM_001005862.3, NM_001289938.2, NM_001382782.1 and 1 more transcripts); c.1562G>A, p.Arg521Gln (NM_001289936.2); c.1607G>A, p.Arg536Gln (NM_001289937.2, NM_001382785.1, NM_001382790.1 and 11 more transcripts); c.1724G>A, p.Arg575Gln (NM_001382784.1, NM_001382786.1); c.1682G>A, p.Arg561Gln (NM_001382787.1); c.1637G>A, p.Arg546Gln (NM_001382788.1); c.1628G>A, p.Arg543Gln (NM_001382789.1); c.1598G>A, p.Arg533Gln (NM_001382791.1); and 4 more; short protein forms R260Q, R450Q, R476Q, R506Q, R521Q, R533Q, R536Q, R543Q.
Identifiers: ClinVar variation 1050529 (VCV001050529.7), dbSNP rs140980495, ClinGen allele CA8534030.
Genomic context (GRCh38, chr17:39,716,394, plus strand): 5'-CCCGAGGGCACTGCTGGGGTCCAGGGCCCACCCAGTGTGTCAACTGCAGCCAGTTCCTTC[G>A]GGGCCAGGAGTGCGTGGAGGAATGCCGAGTACTGCAGGGGTATGAGGGGCGGAGGAGAGG-3'
Protein context (NP_004439.2, residues 526-546): TQCVNCSQFL[Arg536Gln]GQECVEECRV